The following is an entry in ClinVar:

NM_000350.3(ABCA4):c.2073_2079delinsACCTGGTTCA (p.Ser692_Asn693delinsProGlySer)

Gene: ABCA4 (ATP binding cassette subfamily A member 4; minus strand). Cytogenetic location: 1p22.1.
Variant type: Indel.
Coding change: c.2073_2079delinsACCTGGTTCA on transcript NM_000350.3 (MANE Select); coding-DNA positions 2073 to 2079, CTCCAAT replaced by ACCTGGTTCA.
Protein change: p.Ser692_Asn693delinsProGlySer.
Molecular consequence: inframe indel.
Genome position (GRCh38, 1-based): chr1:94,060,618-94,060,624, ATTGGAG replaced by TGAACCAGGT on the plus strand (CTCCAAT replaced by ACCTGGTTCA on the coding strand, the reverse complement: ABCA4 is on the minus strand). VCF-style: chr1-94060618-ATTGGAG-TGAACCAGGT. GRCh37 (hg19) VCF-style: chr1-94526174-ATTGGAG-TGAACCAGGT.
Other names: c.2073_2079delCTCCAATinsACCTGGTTCA, p.Ser692_Asn693delinsProGlySer (NM_001425324.1).
Identifiers: ClinVar variation 2506637 (VCV002506637.1), dbSNP rs2523832626, ClinGen allele CA2580611177.
Genomic context (GRCh38, chr1:94,060,618, plus strand): 5'-GAAGATGCTCATCGACATGATGGAGAAGCTGTCCAGGAACCAGGTACACCAAATCACTGC[ATTGGAG>TGAACCAGGT]ACACCCTGATTTTTCAAGGTCTCCTTCAGTCGCAACTCCTTCTCCAAGACGATGCTCTTC-3'

ClinVar aggregate classification (germline): Uncertain significance (1 of 4 stars; one submission).

Submission:

GeneDx
Classification: Uncertain significance. Last evaluated: 2022-12-18. Review status: criteria provided, single submitter. Criteria: GeneDx Variant Classification Process June 2021. Collection method: clinical testing. Allele origin: germline. Affected: yes.
Comment: Not observed at significant frequency in large population cohorts (gnomAD); In-frame deletion of 2 amino acids and insertion of 3 amino acids in a non-repeat region; In silico analysis supports a deleterious effect on protein structure/function; Has not been previously published as pathogenic or benign to our knowledge